The following is an entry in ClinVar:

ClinVar aggregate classification (germline): Uncertain significance (1 of 4 stars; one submission).

Allele frequency attached by ClinVar (database versions not stated): gnomAD exomes 0.00001.
gnomAD v4.1: 12 of 1,608,280 alleles (0.00075%); highest among the groups gnomAD compares: Middle Eastern, 0.017%; no homozygotes.

Submission:

Labcorp Genetics (formerly Invitae), Labcorp
Classification: Uncertain significance. Last evaluated: 2021-01-18. Review status: criteria provided, single submitter. Criteria: Invitae Variant Classification Sherloc (09022015). Collection method: clinical testing. Allele origin: germline.
Comment: In summary, the available evidence is currently insufficient to determine the role of this variant in disease. Therefore, it has been classified as a Variant of Uncertain Significance. Algorithms developed to predict the effect of missense changes on protein structure and function are either unavailable or do not agree on the potential impact of this missense change (SIFT: "Deleterious"; PolyPhen-2: "Not Available"; Align-GVGD: "Class C0"). This variant has not been reported in the literature in individuals with PCLO-related conditions. This variant is not present in population databases (ExAC no frequency). This sequence change replaces threonine with methionine at codon 5141 of the PCLO protein (p.Thr5141Met). The threonine residue is weakly conserved and there is a moderate physicochemical difference between threonine and methionine.

NM_033026.6(PCLO):c.15422C>T (p.Thr5141Met)

Gene: PCLO (piccolo presynaptic cytomatrix protein; minus strand). Cytogenetic location: 7q21.11.
Variant type: single nucleotide variant.
Coding change: c.15422C>T on transcript NM_033026.6 (MANE Select); coding-DNA position 15422, C replaced by T.
Protein change: p.Thr5141Met; replaces threonine 5141 with methionine.
Molecular consequence: missense variant.
Genome position (GRCh38, 1-based): chr7:82,758,582, G>A on the plus strand (C>T on the coding strand, the complement: PCLO is on the minus strand). VCF-style: chr7-82758582-G-A. GRCh37 (hg19) VCF-style: chr7-82387898-G-A.
Other names: short protein forms T5141M.
Identifiers: ClinVar variation 1503407 (VCV001503407.8), dbSNP rs1790365547, ClinGen allele CA368018965.